The following is an entry in ClinVar:

NM_020937.4(FANCM):c.1316A>C (p.Lys439Thr)

Gene: FANCM (FA complementation group M; plus strand). Cytogenetic location: 14q21.2.
Variant type: single nucleotide variant.
Coding change: c.1316A>C on transcript NM_020937.4 (MANE Select); coding-DNA position 1316, A replaced by C.
Protein change: p.Lys439Thr; replaces lysine 439 with threonine.
Molecular consequence: missense variant.
Genome position (GRCh38, 1-based): chr14:45,155,379, A>C. VCF-style: chr14-45155379-A-C. GRCh37 (hg19) VCF-style: chr14-45624582-A-C.
Other names: c.1238A>C, p.Lys413Thr (NM_001308133.2); c.1316A>C, p.Lys439Thr (NM_001308134.2); short protein forms K439T, K413T.
Identifiers: ClinVar variation 650278 (VCV000650278.12), dbSNP rs1594773798, ClinGen allele CA389592088.

ClinVar aggregate classification (germline): Uncertain significance. Review status: criteria provided, multiple submitters, no conflicts (2 of 4 stars). 3 submissions from 3 submitters: Uncertain significance (3). Last evaluated 2025-01-24.

Conditions:
Inborn genetic diseases. Identifiers: MedGen C0950123, MeSH D030342.
Fanconi anemia (FA). Also called: Fanconi's anemia. Identifiers: Orphanet 84, MedGen C0015625, MeSH D005199, MONDO:0019391.

Allele frequency attached by ClinVar (database versions not stated): gnomAD exomes below 0.00001.
gnomAD v4.1: 1 of 1,331,466 alleles (0.000075%); highest among the groups gnomAD compares: Non-Finnish European, 0.00011%; no homozygotes.

Submissions (3):

Ambry Genetics
Classification: Uncertain significance for Inborn genetic diseases. Last evaluated: 2025-01-24. Review status: criteria provided, single submitter. Criteria: Ambry Variant Classification Scheme 2023. Collection method: clinical testing. Allele origin: germline.
Comment: The p.K439T variant (also known as c.1316A>C), located in coding exon 8 of the FANCM gene, results from an A to C substitution at nucleotide position 1316. The lysine at codon 439 is replaced by threonine, an amino acid with similar properties. This amino acid position is conserved. In addition, this alteration is predicted to be tolerated by in silico analysis. Based on the available evidence, the clinical significance of this variant remains unclear.

GeneDx
Classification: Uncertain significance. Last evaluated: 2022-08-17. Review status: criteria provided, single submitter. Criteria: GeneDx Variant Classification Process June 2021. Collection method: clinical testing. Allele origin: germline. Affected: yes.
Comment: Not observed at significant frequency in large population cohorts (gnomAD); In silico analysis supports that this missense variant does not alter protein structure/function; Has not been previously published as pathogenic or benign to our knowledge

Labcorp Genetics (formerly Invitae), Labcorp
Classification: Uncertain significance for Fanconi anemia. Last evaluated: 2022-02-19. Review status: criteria provided, single submitter. Criteria: Invitae Variant Classification Sherloc (09022015). Collection method: clinical testing. Allele origin: germline.
Comment: In summary, the available evidence is currently insufficient to determine the role of this variant in disease. Therefore, it has been classified as a Variant of Uncertain Significance. Algorithms developed to predict the effect of missense changes on protein structure and function output the following: SIFT: "Tolerated"; PolyPhen-2: "Benign"; Align-GVGD: "Class C0". The threonine amino acid residue is found in multiple mammalian species, which suggests that this missense change does not adversely affect protein function. ClinVar contains an entry for this variant (Variation ID: 650278). This variant has not been reported in the literature in individuals affected with FANCM-related conditions. This variant is not present in population databases (gnomAD no frequency). This sequence change replaces lysine, which is basic and polar, with threonine, which is neutral and polar, at codon 439 of the FANCM protein (p.Lys439Thr).